The following is an entry in ClinVar:

NM_001849.4(COL6A2):c.1121A>G (p.Asp374Gly)

Gene: COL6A2 (collagen type VI alpha 2 chain; plus strand). Cytogenetic location: 21q22.3.
Variant type: single nucleotide variant.
Coding change: c.1121A>G on transcript NM_001849.4 (MANE Select); coding-DNA position 1121, A replaced by G.
Protein change: p.Asp374Gly; replaces aspartic acid 374 with glycine.
Molecular consequence: missense variant.
Genome position (GRCh38, 1-based): chr21:46,118,618, A>G. VCF-style: chr21-46118618-A-G. GRCh37 (hg19) VCF-style: chr21-47538532-A-G.
Other names: c.1121A>G, p.Asp374Gly (NM_058174.3, NM_058175.3); short protein forms D374G.
Identifiers: ClinVar variation 2165128 (VCV002165128.4), dbSNP rs766617171, ClinGen allele CA10071711.
Genomic context (GRCh38, chr21:46,118,618, plus strand): 5'-CTGCACCCCCCTTCCCCTGCCAAAAGACGTGAGGCTGATTCTGCAAACCCTTCCAGGGGG[A>G]CCCTGGCCGCCCAGGACGCAGAGGGCCCCCGGGAGAAATCGGGGCCAAGGGAAGCAAGGT-3'
Protein context (NP_001840.3, residues 364-384): GERGDQGGKG[Asp374Gly]PGRPGRRGPP

ClinVar aggregate classification (germline): Uncertain significance (1 of 4 stars; one submission).

Conditions:
Bethlem myopathy 1A. Also called: Bethlem Muscular Dystrophy; Bethlem myopathy 1; MYOPATHY, BENIGN CONGENITAL, WITH CONTRACTURES. Identifiers: Orphanet 610, MedGen CN029274, MONDO:0024530, OMIM 158810.

Allele frequency attached by ClinVar (database versions not stated): ExAC 0.00002.
gnomAD v4.1: 18 of 1,612,322 alleles (0.0011%); highest among the groups gnomAD compares: Non-Finnish European, 0.0014%; no homozygotes.

Submission:

Labcorp Genetics (formerly Invitae), Labcorp
Classification: Uncertain significance for Bethlem myopathy 1A. Last evaluated: 2023-07-10. Review status: criteria provided, single submitter. Criteria: Invitae Variant Classification Sherloc (09022015). Collection method: clinical testing. Allele origin: germline.
Comment: In summary, the available evidence is currently insufficient to determine the role of this variant in disease. Therefore, it has been classified as a Variant of Uncertain Significance. Advanced modeling of protein sequence and biophysical properties (such as structural, functional, and spatial information, amino acid conservation, physicochemical variation, residue mobility, and thermodynamic stability) performed at Invitae indicates that this missense variant is expected to disrupt COL6A2 protein function. ClinVar contains an entry for this variant (Variation ID: 2165128). This variant has not been reported in the literature in individuals affected with COL6A2-related conditions. The frequency data for this variant in the population databases is considered unreliable, as metrics indicate poor data quality at this position in the gnomAD database. This sequence change replaces aspartic acid, which is acidic and polar, with glycine, which is neutral and non-polar, at codon 374 of the COL6A2 protein (p.Asp374Gly).